The following is an entry in ClinVar:

ClinVar aggregate classification (germline): Conflicting classifications of pathogenicity. Review status: criteria provided, conflicting classifications (1 of 4 stars). 2 submissions from 2 submitters: Uncertain significance (1); Benign (1). Last evaluated 2025-02-28.

Conditions:
KMT2D-related disorder. Also called: KMT2D-Related Disorders.
Kabuki syndrome. Also called: Kabuki make-up syndrome; NIIKAWA-KUROKI SYNDROME. Identifiers: Orphanet 2322, MedGen C0796004, MONDO:0016512.

gnomAD v4.1: 1 of 1,605,976 alleles (0.000062%); highest among the groups gnomAD compares: African/African-American, 0.0013%; no homozygotes.

Submissions (2):

PreventionGenetics, part of Exact Sciences
Classification: Uncertain significance for KMT2D-related condition. Last evaluated: 2025-02-28. Review status: criteria provided, single submitter. Criteria: ACMG Guidelines, 2015. Collection method: clinical testing. Allele origin: germline.
Comment: The KMT2D c.13060C>T variant is predicted to result in the amino acid substitution p.Pro4354Ser. To our knowledge, this variant has not been reported in the literature. This variant is reported in 0.0073% of alleles in individuals of African descent in gnomAD. At this time, the clinical significance of this variant is uncertain due to the absence of conclusive functional and genetic evidence.

Labcorp Genetics (formerly Invitae), Labcorp
Classification: Benign for Kabuki syndrome. Last evaluated: 2024-08-01. Review status: criteria provided, single submitter. Criteria: Invitae Variant Classification Sherloc (09022015). Collection method: clinical testing. Allele origin: germline.

NM_003482.4(KMT2D):c.13060C>T (p.Pro4354Ser)

Gene: KMT2D (lysine methyltransferase 2D; minus strand). Cytogenetic location: 12q13.12.
Variant type: single nucleotide variant.
Coding change: c.13060C>T on transcript NM_003482.4 (MANE Select); coding-DNA position 13060, C replaced by T.
Protein change: p.Pro4354Ser; replaces proline 4354 with serine.
Molecular consequence: missense variant.
Genome position (GRCh38, 1-based): chr12:49,031,645, G>A on the plus strand (C>T on the coding strand, the complement: KMT2D is on the minus strand). VCF-style: chr12-49031645-G-A. GRCh37 (hg19) VCF-style: chr12-49425428-G-A.
Other names: short protein forms P4354S.
Identifiers: ClinVar variation 3628032 (VCV003628032.3).